The following is an entry in ClinVar:

NM_001267550.2(TTN):c.18680C>T (p.Pro6227Leu)

Genes: TTN (titin; minus strand), LOC126806430 (BRD4-independent group 4 enhancer GRCh37_chr2:179593794-179594993; plus strand). Cytogenetic location: 2q31.2.
Variant type: single nucleotide variant.
Coding change: c.18680C>T on transcript NM_001267550.2 (MANE Select); coding-DNA position 18680, C replaced by T.
Protein change: p.Pro6227Leu; replaces proline 6227 with leucine.
Molecular consequence: missense variant. On other transcripts: intron variant (3).
Genome position (GRCh38, 1-based): chr2:178,729,476, G>A on the plus strand (C>T on the coding strand, the complement: TTN is on the minus strand). VCF-style: chr2-178729476-G-A. GRCh37 (hg19) VCF-style: chr2-179594203-G-A.
Other names: c.18680C>T (NM_001267550.1); c.14948C>T, p.Pro4983Leu (NM_133378.4); c.17729C>T, p.Pro5910Leu (NM_001256850.1); c.13282+8606C>T (NM_003319.4); c.13858+8606C>T (NM_133437.4); c.13657+8606C>T (NM_133432.3); short protein forms P4983L, P6227L, P5910L.
Identifiers: ClinVar variation 504546 (VCV000504546.7), dbSNP rs376846228, ClinGen allele CA2001561.
Genomic context (GRCh38, chr2:178,729,476, plus strand): 5'-AATGTGTATTTTTTGCTGCTTCGAATTTCCCTGTTATTCTTCAGCCAAGTGACTTCAAAC[G>A]GAGGTGTTCCCGTAACTTCACACTCCAGCTCCACGTCACTATATTTTACTACCTCCACAG-3'
Protein context (NP_001254479.2, residues 6217-6237): ELECEVTGTP[Pro6227Leu]FEVTWLKNNR

ClinVar aggregate classification (germline): Uncertain significance. Review status: criteria provided, multiple submitters, no conflicts (2 of 4 stars). 3 submissions from 3 submitters: Uncertain significance (3). Last evaluated 2026-05-20.

Allele frequency attached by ClinVar (database versions not stated): gnomAD exomes below 0.00001 and 0.00001; ESP Exome Variant Server 0.00008; gnomAD 0.00004 and 0.00003; ExAC 0.00001; TOPMed 0.00002.
gnomAD v4.1: 13 of 1,613,412 alleles (0.00081%); highest among the groups gnomAD compares: African/African-American, 0.0067%; no homozygotes.

Submissions (3):

Women's Health and Genetics/Laboratory Corporation of America, LabCorp
Classification: Uncertain significance. Last evaluated: 2026-05-20. Review status: criteria provided, single submitter. Criteria: LabCorp Variant Classification Summary - May 2015. Collection method: clinical testing. Allele origin: germline.
Comment: Variant summary: TTN NM_133378 c.14948C>T (p.Pro4983Leu), also known as NM_001267550 c.18680C>T (p.Pro6227Leu), results in a non-conservative amino acid change in the encoded protein sequence. Algorithms developed to predict the effect of missense changes on protein structure and function are either unavailable or do not agree on the potential impact of this missense change. The variant allele was found at a frequency of 4e-06 in 248406 control chromosomes. The available data on variant occurrences in the general population are insufficient to allow any conclusion about variant significance. To our knowledge, no occurrence of c.14948C>T in individuals affected with TTN-related conditions and no experimental evidence demonstrating its impact on protein function have been reported. ClinVar contains an entry for this variant (Variation ID: 504546). Based on the evidence outlined above, the variant was classified as uncertain significance.

GeneDx
Classification: Uncertain significance. Last evaluated: 2024-04-16. Review status: criteria provided, single submitter. Criteria: GeneDx Variant Classification Process June 2021. Collection method: clinical testing. Allele origin: germline. Affected: yes.
Comment: Not observed at significant frequency in large population cohorts (gnomAD); Missense variant in a gene in which most reported pathogenic variants are truncating/loss of function; Has not been previously published as pathogenic or benign to our knowledge

Laboratory for Molecular Medicine, Mass General Brigham Personalized Medicine
Classification: Uncertain significance. Last evaluated: 2018-01-19. Review status: criteria provided, single submitter. Criteria: LMM Criteria. Collection method: clinical testing. Allele origin: germline. Observed: 1 variant allele.
Comment: The p.Pro4983Leu variant in TTN has not been previously reported in individuals with cardiomyopathy, but has been identified in 2/24004 African chromosomes by t he Genome Aggregation Database (gnomAD; dbSNP rs376846228). Computational prediction tools and conservation analysis suggest that the p.Pro4983Leu variant may impact the protein, though this information is not predictive enough to determine pathogenicity. In summary, the clinical sign ificance of the p.Pro4983Leu variant is uncertain. ACMG/AMP Criteria applied: PM 2; PP3.